The following is an entry in ClinVar:

ClinVar aggregate classification (germline): Uncertain significance (1 of 4 stars; one submission).

Submission:

Women's Health and Genetics/Laboratory Corporation of America, LabCorp
Classification: Uncertain significance. Last evaluated: 2024-11-14. Review status: criteria provided, single submitter. Criteria: LabCorp Variant Classification Summary - May 2015. Collection method: clinical testing. Allele origin: germline.
Comment: Variant summary: The variant involves the duplication of exons 16-22 in the LARS2 gene. A presumed nomenclature of c.(1760+1_1761-1)_(*1878_?)dup has been designated for the purposes of this classification. The exact breakpoint at the 3' end of this variant is unknown, therefore this duplication may extend downstream of the annotated region of the gene. As it duplicates the termination codon, its effect on the encoded protein is unknown. The variant was absent in 21694 control chromosomes in the gnomAD database (Structural Variants v2.1 dataset). The available data on variant occurrences in the general population are insufficient to allow any conclusion about variant significance. To our knowledge, no occurrence of duplication of exons 16-22 in individuals affected with LARS2-Related Disorders and no experimental evidence demonstrating its impact on protein function have been reported. No submitters have cited clinical-significance assessments for this variant to ClinVar. Based on the evidence outlined above, the variant was classified as uncertain significance.

NC_000003.11:g.(45542072_45554626)_(45590900_?)dup

Gene: LARS2 (leucyl-tRNA synthetase 2, mitochondrial; plus strand). Cytogenetic location: 3p21.31.
Variant type: Duplication.
Identifiers: ClinVar variation 3629632 (VCV003629632.1).